The following is an entry in ClinVar:

ClinVar aggregate classification (germline): Uncertain significance (1 of 4 stars; one submission).

Allele frequency attached by ClinVar (database versions not stated): gnomAD exomes below 0.00001; TOPMed 0.00001.
gnomAD v4.1: 5 of 1,531,000 alleles (0.00033%); highest among the groups gnomAD compares: East Asian, 0.0023%; no homozygotes.

Submission:

Labcorp Genetics (formerly Invitae), Labcorp
Classification: Uncertain significance. Last evaluated: 2022-05-10. Review status: criteria provided, single submitter. Criteria: Invitae Variant Classification Sherloc (09022015). Collection method: clinical testing. Allele origin: germline.
Comment: This sequence change falls in intron 25 of the UBE3B gene. It does not directly change the encoded amino acid sequence of the UBE3B protein. This variant is not present in population databases (gnomAD no frequency). This variant has not been reported in the literature in individuals affected with UBE3B-related conditions. Algorithms developed to predict the effect of sequence changes on RNA splicing suggest that this variant may create or strengthen a splice site. In summary, the available evidence is currently insufficient to determine the role of this variant in disease. Therefore, it has been classified as a Variant of Uncertain Significance.

NM_130466.4(UBE3B):c.2810+9C>T

Gene: UBE3B (ubiquitin protein ligase E3B; plus strand). Cytogenetic location: 12q24.11.
Variant type: single nucleotide variant.
Coding change: c.2810+9C>T on transcript NM_130466.4 (MANE Select); 9 bases into the intron after coding-DNA position 2810, C replaced by T.
Molecular consequence: intron variant.
Genome position (GRCh38, 1-based): chr12:109,530,081, C>T. VCF-style: chr12-109530081-C-T. GRCh37 (hg19) VCF-style: chr12-109967886-C-T.
Other names: c.2810+9C>T (NM_183415.3).
Identifiers: ClinVar variation 2415487 (VCV002415487.3), dbSNP rs1473200107, ClinGen allele CA607601823.